The following is an entry in ClinVar:

NM_001853.4(COL9A3):c.1603+14G>C

Genes: COL9A3 (collagen type IX alpha 3 chain; plus strand), LOC126863084 (MED14-independent group 3 enhancer GRCh37_chr20:61467141-61468340; plus strand). Cytogenetic location: 20q13.33.
Variant type: single nucleotide variant.
Coding change: c.1603+14G>C on transcript NM_001853.4 (MANE Select); 14 bases into the intron after coding-DNA position 1603, G replaced by C.
Molecular consequence: intron variant.
Genome position (GRCh38, 1-based): chr20:62,836,546, G>C. VCF-style: chr20-62836546-G-C. GRCh37 (hg19) VCF-style: chr20-61467898-G-C.
Other names: c.1603+14G>C (LRG_1253t1).
Identifiers: ClinVar variation 258415 (VCV000258415.25), dbSNP rs910152, ClinGen allele CA9950082.

ClinVar aggregate classification (germline): Benign. Review status: criteria provided, multiple submitters, no conflicts (2 of 4 stars). 11 submissions from 11 submitters: Benign (7). 4 of the submissions do not count toward it. Last evaluated 2026-05-08.

Allele frequency attached by ClinVar (database versions not stated): ESP Exome Variant Server 0.91246; gnomAD 0.91538 and 0.91653; TOPMed 0.91550; ExAC 0.91983; gnomAD exomes 0.92037; 1000 Genomes Project 30x 0.93270; 1000 Genomes Project 0.93331.
gnomAD v4.1: 1,446,398 of 1,603,554 alleles (90%); highest among the groups gnomAD compares: South Asian, 95%; 653,013 homozygotes.

Submissions (11):

Women's Health and Genetics/Laboratory Corporation of America, LabCorp
Classification: Benign. Last evaluated: 2026-05-08. Review status: criteria provided, single submitter. Criteria: LabCorp Variant Classification Summary - May 2015. Collection method: clinical testing. Allele origin: germline.

Labcorp Genetics (formerly Invitae), Labcorp
Classification: Benign. Last evaluated: 2026-02-04. Review status: criteria provided, single submitter. Criteria: Invitae Variant Classification Sherloc (09022015). Collection method: clinical testing. Allele origin: germline.

Blueprint Genetics
Classification: Benign. Last evaluated: 2024-11-28. Review status: criteria provided, single submitter. Criteria: ACMG Guidelines, 2015. Collection method: clinical testing. Allele origin: germline.

GeneDx
Classification: Benign. Last evaluated: 2017-05-19. Review status: criteria provided, single submitter. Criteria: GeneDx Variant Classification (06012015). Collection method: clinical testing. Allele origin: germline. Affected: yes.
Comment: This variant is considered likely benign or benign based on one or more of the following criteria: it is a conservative change, it occurs at a poorly conserved position in the protein, it is predicted to be benign by multiple in silico algorithms, and/or has population frequency not consistent with disease.

Eurofins Ntd Llc (ga)
Classification: Benign. Last evaluated: 2015-12-08. Review status: criteria provided, single submitter. Criteria: EGL Classification Definitions 2015. Collection method: clinical testing. Allele origin: germline. Observed: 2 variant alleles, 2 homozygotes.

Breakthrough Genomics
Classification: Benign. Review status: criteria provided, single submitter. Criteria: ACMG Guidelines, 2015. Collection method: not provided. Allele origin: germline. Inheritance: Autosomal recessive inheritance. Affected: yes.

PreventionGenetics, part of Exact Sciences
Classification: Benign. Review status: criteria provided, single submitter. Criteria: ACMG Guidelines, 2015. Collection method: clinical testing. Allele origin: germline.

Clinical Genetics DNA and cytogenetics Diagnostics Lab, Erasmus MC, Erasmus Medical Center
Classification: Benign. Review status: no assertion criteria provided. Collection method: clinical testing. Allele origin: germline. Affected: yes. Study: VKGL Data-share Consensus. Not counted in ClinVar's aggregate classification.

Diagnostic Laboratory, Department of Genetics, University Medical Center Groningen
Classification: Benign. Review status: no assertion criteria provided. Collection method: clinical testing. Allele origin: germline. Affected: yes. Study: VKGL Data-share Consensus. Not counted in ClinVar's aggregate classification.

Genome Diagnostics Laboratory, Amsterdam University Medical Center
Classification: Benign. Review status: no assertion criteria provided. Collection method: clinical testing. Allele origin: germline. Affected: yes. Study: VKGL Data-share Consensus. Not counted in ClinVar's aggregate classification.

Joint Genome Diagnostic Labs from Nijmegen and Maastricht, Radboudumc and MUMC+
Classification: Benign. Review status: no assertion criteria provided. Collection method: clinical testing. Allele origin: germline. Affected: yes. Study: VKGL Data-share Consensus. Not counted in ClinVar's aggregate classification.